The following is an entry in ClinVar:

ClinVar aggregate classification (germline): Uncertain significance. Review status: criteria provided, multiple submitters, no conflicts (2 of 4 stars). 2 submissions from 2 submitters: Uncertain significance (2). Last evaluated 2024-11-08.

Allele frequency attached by ClinVar (database versions not stated): gnomAD exomes 0.00001; gnomAD 0.00006; TOPMed 0.00008.
gnomAD v4.1: 16 of 1,551,370 alleles (0.001%); highest among the groups gnomAD compares: African/African-American, 0.022%; no homozygotes.

Submissions (2):

Labcorp Genetics (formerly Invitae), Labcorp
Classification: Uncertain significance. Last evaluated: 2024-11-08. Review status: criteria provided, single submitter. Criteria: Invitae Variant Classification Sherloc (09022015). Collection method: clinical testing. Allele origin: germline.
Comment: This sequence change replaces alanine, which is neutral and non-polar, with proline, which is neutral and non-polar, at codon 1798 of the EYS protein (p.Ala1798Pro). This variant is present in population databases (no rsID available, gnomAD 0.03%). This variant has not been reported in the literature in individuals affected with EYS-related conditions. ClinVar contains an entry for this variant (Variation ID: 1397845). Invitae Evidence Modeling of protein sequence and biophysical properties (such as structural, functional, and spatial information, amino acid conservation, physicochemical variation, residue mobility, and thermodynamic stability) indicates that this missense variant is not expected to disrupt EYS protein function with a negative predictive value of 80%. In summary, the available evidence is currently insufficient to determine the role of this variant in disease. Therefore, it has been classified as a Variant of Uncertain Significance.

Blueprint Genetics
Classification: Uncertain significance. Last evaluated: 2022-09-27. Review status: criteria provided, single submitter. Criteria: ACMG Guidelines, 2015. Collection method: clinical testing. Allele origin: germline.

NM_001142800.2(EYS):c.5392G>C (p.Ala1798Pro)

Gene: EYS (EGF-like photoreceptor maintenance factor; minus strand). Cytogenetic location: 6q12.
Variant type: single nucleotide variant.
Coding change: c.5392G>C on transcript NM_001142800.2 (MANE Select); coding-DNA position 5392, G replaced by C.
Protein change: p.Ala1798Pro; replaces alanine 1798 with proline.
Molecular consequence: missense variant.
Genome position (GRCh38, 1-based): chr6:64,590,475, C>G on the plus strand (G>C on the coding strand, the complement: EYS is on the minus strand). VCF-style: chr6-64590475-C-G. GRCh37 (hg19) VCF-style: chr6-65300368-C-G.
Other names: c.5392G>C, p.Ala1798Pro (NM_001292009.2); short protein forms A1798P.
Identifiers: ClinVar variation 1397845 (VCV001397845.5), dbSNP rs927982487, ClinGen allele CA140340877.